The following is an entry in ClinVar:

ClinVar aggregate classification (germline): Uncertain significance. Review status: criteria provided, multiple submitters, no conflicts (2 of 4 stars). 3 submissions from 3 submitters: Uncertain significance (3). Last evaluated 2025-08-18.

Conditions:
Hereditary cancer-predisposing syndrome. Also called: Neoplastic Syndromes, Hereditary; Hereditary Cancer Syndrome; Tumor predisposition; Hereditary neoplastic syndrome. Identifiers: Orphanet 140162, MedGen C0027672, MeSH D009386, MONDO:0015356.
Hereditary breast ovarian cancer syndrome. Also called: Hereditary breast and ovarian cancer syndrome; Hereditary breast and/or ovarian cancer syndrome; Hereditary breast and ovarian cancer syndrome (HBOC); Hereditary breast and ovarian cancer; Breast and ovarian cancer; BRCA1- and BRCA2-Associated Hereditary Breast and Ovarian Cancer. Identifiers: Orphanet 145, MedGen C0677776, MeSH D061325, MONDO:0003582. Disease mechanism: loss of function.
EGFR-related lung cancer (EGFR). Identifiers: MedGen CN130014.

Allele frequency attached by ClinVar (database versions not stated): gnomAD exomes below 0.00001; gnomAD 0.00001.
gnomAD v4.1: 4 of 1,614,074 alleles (0.00025%); highest among the groups gnomAD compares: Non-Finnish European, 0.00034%; no homozygotes.

Submissions (3):

Ambry Genetics
Classification: Uncertain significance for Hereditary cancer-predisposing syndrome. Last evaluated: 2025-08-18. Review status: criteria provided, single submitter. Criteria: Ambry Variant Classification Scheme 2023. Collection method: clinical testing. Allele origin: germline.
Comment: The p.A118S variant (also known as c.352G>T), located in coding exon 3 of the EGFR gene, results from a G to T substitution at nucleotide position 352. The alanine at codon 118 is replaced by serine, an amino acid with similar properties. This amino acid position is highly conserved in available vertebrate species. In addition, the in silico prediction for this alteration is inconclusive. Based on the available evidence, the clinical significance of this variant remains unclear.

Labcorp Genetics (formerly Invitae), Labcorp
Classification: Uncertain significance for EGFR-related lung cancer. Last evaluated: 2025-07-31. Review status: criteria provided, single submitter. Criteria: Invitae Variant Classification Sherloc (09022015). Collection method: clinical testing. Allele origin: germline.
Comment: This sequence change replaces alanine, which is neutral and non-polar, with serine, which is neutral and polar, at codon 118 of the EGFR protein (p.Ala118Ser). This variant is present in population databases (no rsID available, gnomAD 0.007%). This variant has not been reported in the literature in individuals affected with EGFR-related conditions. ClinVar contains an entry for this variant (Variation ID: 981818). Invitae Evidence Modeling of protein sequence and biophysical properties (such as structural, functional, and spatial information, amino acid conservation, physicochemical variation, residue mobility, and thermodynamic stability) indicates that this missense variant is not expected to disrupt EGFR protein function with a negative predictive value of 80%. In summary, the available evidence is currently insufficient to determine the role of this variant in disease. Therefore, it has been classified as a Variant of Uncertain Significance.

Molecular Oncology Research Center, Barretos Cancer Hospital
Classification: Uncertain significance for Hereditary breast ovarian cancer syndrome. Last evaluated: 2020-08-01. Review status: criteria provided, single submitter. Criteria: ACMG Guidelines, 2015. Collection method: research. Allele origin: germline. Affected: yes. Observed: 1 variant allele.

NM_005228.5(EGFR):c.352G>T (p.Ala118Ser)

Gene: EGFR (epidermal growth factor receptor; plus strand). Cytogenetic location: 7p11.2.
Variant type: single nucleotide variant.
Coding change: c.352G>T on transcript NM_005228.5 (MANE Select); coding-DNA position 352, G replaced by T.
Protein change: p.Ala118Ser; replaces alanine 118 with serine.
Molecular consequence: missense variant. On other transcripts: intron variant (1).
Genome position (GRCh38, 1-based): chr7:55,143,416, G>T. VCF-style: chr7-55143416-G-T. GRCh37 (hg19) VCF-style: chr7-55211109-G-T.
Other names: c.352G>T, p.Ala118Ser (NM_001346897.2, NM_001346898.2, NM_001346899.2 and 3 more transcripts); c.193G>T, p.Ala65Ser (NM_001346900.2); c.89-12414G>T (NM_001346941.2); c.352G>T (NM_005228.3); short protein forms A118S, A65S.
Identifiers: ClinVar variation 981818 (VCV000981818.8), dbSNP rs1249939049, ClinGen allele CA367575859.